The following is an entry in ClinVar:

NM_033402.5(LRRCC1):c.757G>A (p.Asp253Asn)

Gene: LRRCC1 (leucine rich repeat and coiled-coil centrosomal protein 1; plus strand). Cytogenetic location: 8q21.2.
Variant type: single nucleotide variant.
Coding change: c.757G>A on transcript NM_033402.5 (MANE Select); coding-DNA position 757, G replaced by A.
Protein change: p.Asp253Asn; replaces aspartic acid 253 with asparagine.
Molecular consequence: missense variant. On other transcripts: intron variant (2).
Genome position (GRCh38, 1-based): chr8:85,115,411, G>A. VCF-style: chr8-85115411-G-A. GRCh37 (hg19) VCF-style: chr8-86027646-G-A.
Other names: c.478G>A, p.Asp160Asn (NM_001349636.2); c.331G>A, p.Asp111Asn (NM_001349637.2); c.33+2312G>A (NM_001349638.2); c.-14+2312G>A (NM_001349639.2); short protein forms D111N, D160N, D253N.
Identifiers: ClinVar variation 4749137 (VCV004749137.1).

ClinVar aggregate classification (germline): Uncertain significance (1 of 4 stars; one submission).

gnomAD v4.1: 128 of 1,613,408 alleles (0.0079%); highest among the groups gnomAD compares: Middle Eastern, 0.016%; no homozygotes.

Submission:

Labcorp Genetics (formerly Invitae), Labcorp
Classification: Uncertain significance. Last evaluated: 2025-09-04. Review status: criteria provided, single submitter. Criteria: Invitae Variant Classification Sherloc (09022015). Collection method: clinical testing. Allele origin: germline.
Comment: This sequence change replaces aspartic acid, which is acidic and polar, with asparagine, which is neutral and polar, at codon 253 of the LRRCC1 protein (p.Asp253Asn). This variant is present in population databases (rs377531869, gnomAD 0.02%). This variant has not been reported in the literature in individuals affected with LRRCC1-related conditions. An algorithm developed to predict the effect of missense changes on protein structure and function outputs the following: PolyPhen-2: "Benign". The asparagine amino acid residue is found in multiple mammalian species, which suggests that this missense change does not adversely affect protein function. In summary, the available evidence is currently insufficient to determine the role of this variant in disease. Therefore, it has been classified as a Variant of Uncertain Significance.